The following is an entry in ClinVar:

ClinVar aggregate classification (germline): Conflicting classifications of pathogenicity. Review status: criteria provided, conflicting classifications (1 of 4 stars). 4 submissions from 4 submitters: Uncertain significance (3); Benign (1). Last evaluated 2025-06-04.

Conditions:
Usher syndrome type 2C. Also called: Usher syndrome, type 2B; USHER SYNDROME, TYPE IIC. Identifiers: Orphanet 231178, Orphanet 886, MedGen C2931213, MONDO:0011558, OMIM 605472.
Febrile seizures, familial, 4 (FEB4). Also called: CONVULSIONS, FAMILIAL FEBRILE, 4. Identifiers: MedGen C1858493, MONDO:0011443, OMIM 604352.

Allele frequency attached by ClinVar (database versions not stated): gnomAD exomes 0.00001 and 0.00002; TOPMed 0.00002; gnomAD 0.00003; ExAC 0.00004; 1000 Genomes Project 30x 0.00016; 1000 Genomes Project 0.00020.
gnomAD v4.1: 26 of 1,613,846 alleles (0.0016%); highest among the groups gnomAD compares: African/African-American, 0.0053%; no homozygotes.

Submissions (4):

Labcorp Genetics (formerly Invitae), Labcorp
Classification: Benign. Last evaluated: 2025-06-04. Review status: criteria provided, single submitter. Criteria: Invitae Variant Classification Sherloc (09022015). Collection method: clinical testing. Allele origin: germline.

Blueprint Genetics
Classification: Uncertain significance. Last evaluated: 2024-09-18. Review status: criteria provided, single submitter. Criteria: ACMG Guidelines, 2015. Collection method: clinical testing. Allele origin: germline.

Fulgent Genetics
Classification: Uncertain significance for Febrile seizures, familial, 4; Usher syndrome type 2C. Last evaluated: 2018-10-31. Review status: criteria provided, single submitter. Criteria: ACMG Guidelines, 2015. Collection method: clinical testing. Allele origin: unknown.

Laboratory for Molecular Medicine, Mass General Brigham Personalized Medicine
Classification: Uncertain significance. Last evaluated: 2015-05-22. Review status: criteria provided, single submitter. Criteria: LMM Criteria. Collection method: clinical testing. Allele origin: germline. Observed: 1 variant allele.
Comment: The p.Ser4768Leu variant in GPR98 has not been previously reported in individual s with hearing loss, but has been identified in 2/66430 European chromosomes by the Exome Aggregation Consortium (ExAC; dbSNP rs 200130204). Although this variant has been seen in the general population, its f requency is not high enough to rule out a pathogenic role. Computational predict ion tools and conservation analyses suggest that this variant may not impact the protein, though this information is not predictive enough to rule out pathogeni city. In summary, the clinical significance of the p.Ser4768Leu variant is uncer tain.

NM_032119.4(ADGRV1):c.14303C>T (p.Ser4768Leu)

Gene: ADGRV1 (adhesion G protein-coupled receptor V1; plus strand). Cytogenetic location: 5q14.3.
Variant type: single nucleotide variant.
Coding change: c.14303C>T on transcript NM_032119.4 (MANE Select); coding-DNA position 14303, C replaced by T.
Protein change: p.Ser4768Leu; replaces serine 4768 with leucine.
Molecular consequence: missense variant. On other transcripts: non-coding transcript variant (1).
Genome position (GRCh38, 1-based): chr5:90,791,132, C>T. VCF-style: chr5-90791132-C-T. GRCh37 (hg19) VCF-style: chr5-90086949-C-T.
Other names: short protein forms S4768L.
Identifiers: ClinVar variation 228711 (VCV000228711.9), dbSNP rs200130204, ClinGen allele CA3341702.